The following is an entry in ClinVar:

ClinVar aggregate classification (germline): Uncertain significance (1 of 4 stars; one submission).

Allele frequency attached by ClinVar (database versions not stated): gnomAD exomes below 0.00001.
gnomAD v4.1: 1 of 1,613,942 alleles (0.000062%); highest among the groups gnomAD compares: Non-Finnish European, 0.000085%; no homozygotes.

Submission:

Labcorp Genetics (formerly Invitae), Labcorp
Classification: Uncertain significance. Last evaluated: 2024-06-05. Review status: criteria provided, single submitter. Criteria: Invitae Variant Classification Sherloc (09022015). Collection method: clinical testing. Allele origin: germline.
Comment: This sequence change replaces alanine, which is neutral and non-polar, with valine, which is neutral and non-polar, at codon 349 of the DUOX2 protein (p.Ala349Val). This variant is not present in population databases (gnomAD no frequency). This variant has not been reported in the literature in individuals affected with DUOX2-related conditions. Advanced modeling of protein sequence and biophysical properties (such as structural, functional, and spatial information, amino acid conservation, physicochemical variation, residue mobility, and thermodynamic stability) performed at Invitae indicates that this missense variant is not expected to disrupt DUOX2 protein function with a negative predictive value of 80%. In summary, the available evidence is currently insufficient to determine the role of this variant in disease. Therefore, it has been classified as a Variant of Uncertain Significance.

NM_001363711.2(DUOX2):c.1046C>T (p.Ala349Val)

Gene: DUOX2 (dual oxidase 2; minus strand). Cytogenetic location: 15q21.1.
Variant type: single nucleotide variant.
Coding change: c.1046C>T on transcript NM_001363711.2 (MANE Select); coding-DNA position 1046, C replaced by T.
Protein change: p.Ala349Val; replaces alanine 349 with valine.
Molecular consequence: missense variant.
Genome position (GRCh38, 1-based): chr15:45,109,975, G>A on the plus strand (C>T on the coding strand, the complement: DUOX2 is on the minus strand). VCF-style: chr15-45109975-G-A. GRCh37 (hg19) VCF-style: chr15-45402173-G-A.
Other names: c.1046C>T, p.Ala349Val (NM_014080.5); short protein forms A349V.
Identifiers: ClinVar variation 2983717 (VCV002983717.3), dbSNP rs2504778889, ClinGen allele CA392277500.